The following is an entry in ClinVar:

ClinVar aggregate classification (germline): Benign/Likely benign. Review status: criteria provided, multiple submitters, no conflicts (2 of 4 stars). 4 submissions from 4 submitters: Benign (1); Likely benign (3). Last evaluated 2025-04-02.

Conditions:
Hereditary cancer-predisposing syndrome. Also called: Tumor predisposition; Hereditary Cancer Syndrome; Hereditary neoplastic syndrome; Neoplastic Syndromes, Hereditary. Identifiers: Orphanet 140162, MedGen C0027672, MeSH D009386, MONDO:0015356.
Familial cancer of breast. Also called: BREAST CANCER, FAMILIAL; hereditary breast carcinoma; Hereditary breast cancer. Identifiers: Orphanet 227535, MedGen C0346153, MONDO:0016419, OMIM 114480. Disease mechanism: loss of function.
Fanconi anemia complementation group J. Also called: BRIP1-Related Fanconi Anemia. Identifiers: Orphanet 84, MedGen C1836860, MONDO:0012187, OMIM 609054.

Submissions (4):

Labcorp Genetics (formerly Invitae), Labcorp
Classification: Likely benign for Familial cancer of breast; Fanconi anemia complementation group J. Last evaluated: 2025-04-02. Review status: criteria provided, single submitter. Criteria: Invitae Variant Classification Sherloc (09022015). Collection method: clinical testing. Allele origin: germline.

Myriad Genetics, Inc.
Classification: Benign for Familial cancer of breast. Last evaluated: 2024-08-12. Review status: criteria provided, single submitter. Criteria: Myriad Autosomal Dominant, Autosomal Recessive and X-Linked Classification Criteria (2023). Collection method: clinical testing. Allele origin: unknown.
Comment: This variant is considered benign. This variant is a silent/synonymous amino acid change and it is not expected to impact splicing.

Color Diagnostics, LLC DBA Color Health
Classification: Likely benign for Hereditary cancer-predisposing syndrome. Last evaluated: 2019-02-12. Review status: criteria provided, single submitter. Criteria: ACMG Guidelines, 2015. Collection method: clinical testing. Allele origin: germline.

Ambry Genetics
Classification: Likely benign for Hereditary cancer-predisposing syndrome. Last evaluated: 2014-07-18. Review status: criteria provided, single submitter. Criteria: Ambry Variant Classification Scheme 2023. Collection method: clinical testing. Allele origin: germline.

NM_032043.3(BRIP1):c.276A>G (p.Ser92=)

Gene: BRIP1 (BRCA1 interacting DNA helicase 1; minus strand). Cytogenetic location: 17q23.2.
Variant type: single nucleotide variant.
Coding change: c.276A>G on transcript NM_032043.3 (MANE Select); coding-DNA position 276, A replaced by G.
Protein change: p.Ser92=; no amino-acid change (serine 92 retained).
Molecular consequence: synonymous variant.
Genome position (GRCh38, 1-based): chr17:61,857,161, T>C on the plus strand (A>G on the coding strand, the complement: BRIP1 is on the minus strand). VCF-style: chr17-61857161-T-C. GRCh37 (hg19) VCF-style: chr17-59934522-T-C.
Identifiers: ClinVar variation 185568 (VCV000185568.19), dbSNP rs786202281, ClinGen allele CA192290.
Genomic context (GRCh38, chr17:61,857,161, plus strand): 5'-GCTTGGATAGTTGAAATGACGTGAAGTTCCTTGGTTCATGTCATTGTTTGTAAAATCCTT[T>C]GAATGGCATGCACAACAACATGACAATTGTACTTCAGCTTTTTCACTTACGCCCTCATCT-3'
Protein context (NP_114432.2, residues 82-102): VQLSCCCACH[Ser92=]KDFTNNDMNQ